The following is an entry in ClinVar:

NM_006231.4(POLE):c.6372G>T (p.Lys2124Asn)

Gene: POLE (DNA polymerase epsilon, catalytic subunit; minus strand). Cytogenetic location: 12q24.33.
Variant type: single nucleotide variant.
Coding change: c.6372G>T on transcript NM_006231.4 (MANE Select); coding-DNA position 6372, G replaced by T.
Protein change: p.Lys2124Asn; replaces lysine 2124 with asparagine.
Molecular consequence: missense variant.
Genome position (GRCh38, 1-based): chr12:132,626,276, C>A on the plus strand (G>T on the coding strand, the complement: POLE is on the minus strand). VCF-style: chr12-132626276-C-A. GRCh37 (hg19) VCF-style: chr12-133202862-C-A.
Other names: c.6372G>T (NM_006231.2); short protein forms K2124N.
Identifiers: ClinVar variation 473798 (VCV000473798.9), dbSNP rs1555301255, ClinGen allele CA387367776.

ClinVar aggregate classification (germline): Uncertain significance. Review status: criteria provided, multiple submitters, no conflicts (2 of 4 stars). 2 submissions from 2 submitters: Uncertain significance (2). Last evaluated 2025-05-19.

Conditions:
Hereditary cancer-predisposing syndrome. Also called: Neoplastic Syndromes, Hereditary; Tumor predisposition; Hereditary Cancer Syndrome; Hereditary neoplastic syndrome. Identifiers: Orphanet 140162, MedGen C0027672, MeSH D009386, MONDO:0015356.

Submissions (2):

Ambry Genetics
Classification: Uncertain significance for Hereditary cancer-predisposing syndrome. Last evaluated: 2025-05-19. Review status: criteria provided, single submitter. Criteria: Ambry Variant Classification Scheme 2023. Collection method: clinical testing. Allele origin: germline.
Comment: The p.K2124N variant (also known as c.6372G>T), located in coding exon 46 of the POLE gene, results from a G to T substitution at nucleotide position 6372. The lysine at codon 2124 is replaced by asparagine, an amino acid with similar properties. This amino acid position is conserved. In addition, this alteration is predicted to be tolerated by in silico analysis. Since supporting evidence is limited at this time, the clinical significance of this alteration remains unclear.

Labcorp Genetics (formerly Invitae), Labcorp
Classification: Uncertain significance. Last evaluated: 2022-02-28. Review status: criteria provided, single submitter. Criteria: Invitae Variant Classification Sherloc (09022015). Collection method: clinical testing. Allele origin: germline.
Comment: In summary, the available evidence is currently insufficient to determine the role of this variant in disease. Therefore, it has been classified as a Variant of Uncertain Significance. Algorithms developed to predict the effect of missense changes on protein structure and function (SIFT, PolyPhen-2, Align-GVGD) all suggest that this variant is likely to be tolerated. ClinVar contains an entry for this variant (Variation ID: 473798). This variant has not been reported in the literature in individuals affected with POLE-related conditions. This variant is not present in population databases (gnomAD no frequency). This sequence change replaces lysine, which is basic and polar, with asparagine, which is neutral and polar, at codon 2124 of the POLE protein (p.Lys2124Asn).